The following is an entry in ClinVar:

NM_017950.4(CCDC40):c.1618T>C (p.Ser540Pro)

Gene: CCDC40 (coiled-coil domain 40 molecular ruler complex subunit; plus strand). Cytogenetic location: 17q25.3.
Variant type: single nucleotide variant.
Coding change: c.1618T>C on transcript NM_017950.4 (MANE Select); coding-DNA position 1618, T replaced by C.
Protein change: p.Ser540Pro; replaces serine 540 with proline.
Molecular consequence: missense variant.
Genome position (GRCh38, 1-based): chr17:80,081,601, T>C. VCF-style: chr17-80081601-T-C. GRCh37 (hg19) VCF-style: chr17-78055400-T-C.
Other names: c.1618T>C, p.Ser540Pro (NM_001243342.2); short protein forms S540P.
Identifiers: ClinVar variation 655650 (VCV000655650.1), dbSNP rs1598533116, ClinGen allele CA401336370.
Genomic context (GRCh38, chr17:80,081,601, plus strand): 5'-TACAGAGGATGCCAGCATCAAGCCAAATCCACCGACGGCGAGATTGAGGCCTATAAGAAA[T>C]CCATCATGAAGGAGGAAGAAAAGAACGAGAAGCTGGCGAGCATCCTGAACCGGACAGAGA-3'
Protein context (NP_060420.2, residues 530-550): TDGEIEAYKK[Ser540Pro]IMKEEEKNEK

ClinVar aggregate classification (germline): Uncertain significance (1 of 4 stars; one submission).

Conditions:
Primary ciliary dyskinesia. Also called: Ciliary dyskinesia. Identifiers: Orphanet 244, MedGen C0008780, MONDO:0016575, HP:0012265.

Submission:

Labcorp Genetics (formerly Invitae), Labcorp
Classification: Uncertain significance for Primary ciliary dyskinesia. Last evaluated: 2018-11-07. Review status: criteria provided, single submitter. Criteria: Invitae Variant Classification Sherloc (09022015). Collection method: clinical testing. Allele origin: germline.
Comment: This sequence change replaces serine with proline at codon 540 of the CCDC40 protein (p.Ser540Pro). The serine residue is moderately conserved and there is a moderate physicochemical difference between serine and proline. This variant is not present in population databases (ExAC no frequency). This variant has not been reported in the literature in individuals with CCDC40-related disease. Algorithms developed to predict the effect of missense changes on protein structure and function are either unavailable or do not agree on the potential impact of this missense change (SIFT: "Deleterious"; PolyPhen-2: "Possibly Damaging"; Align-GVGD: "Class C0"). In summary, the available evidence is currently insufficient to determine the role of this variant in disease. Therefore, it has been classified as a Variant of Uncertain Significance.